The following is an entry in ClinVar:

NM_130837.3(OPA1):c.2605del (p.Glu868_Ile869insTer)

Gene: OPA1 (OPA1 mitochondrial dynamin like GTPase; plus strand). Cytogenetic location: 3q29.
Variant type: Deletion.
Coding change: c.2605del on transcript NM_130837.3 (MANE Select); coding-DNA position 2605, one base deleted (A; older notation c.2605delA).
Protein change: p.Glu868_Ile869insTer.
Molecular consequence: nonsense. On other transcripts: frameshift variant (1).
Genome position (GRCh38, 1-based): chr3:193,662,906, A deleted; the last of 3 consecutive A bases (chr3:193,662,904-193,662,906); deleting any one gives the same sequence. VCF-style (leftmost placement, unchanged base first): chr3-193662903-GA-G. GRCh37 (hg19) VCF-style: chr3-193380692-GA-G.
Other names: c.2071del, p.Glu690_Ile691insTer (NM_001354663.2); c.2068del, p.Glu689_Ile690insTer (NM_001354664.2); c.2440delA, p.Ile814Terfs (NM_015560.2); c.2440del, p.Glu813_Ile814insTer (NM_015560.3); c.2332del, p.Glu777_Ile778insTer (NM_130831.3); c.2386del, p.Glu795_Ile796insTer (NM_130832.3); c.2443del, p.Glu814_Ile815insTer (NM_130833.3); c.2494del, p.Glu831_Ile832insTer (NM_130834.3); and 2 more.
Identifiers: ClinVar variation 2687786 (VCV002687786.2), dbSNP rs2475134740, ClinGen allele CA2697557029.

ClinVar aggregate classification (germline): Pathogenic (1 of 4 stars; one submission).

Conditions:
Autosomal dominant optic atrophy classic form (OPA1). Also called: KJER-TYPE OPTIC ATROPHY; OPTIC ATROPHY, JUVENILE; Optic Atrophy Type 1. Identifiers: Orphanet 98673, MedGen C0338508, MONDO:0008134, OMIM 165500.

Submission:

Institute of Human Genetics, University of Goettingen
Classification: Pathogenic for Autosomal dominant optic atrophy classic form. Last evaluated: 2024-01-23. Review status: criteria provided, single submitter. Criteria: ACMG Guidelines, 2015. Collection method: clinical testing. Allele origin: unknown. Inheritance: Autosomal dominant inheritance. Affected: yes. Observed: 1 heterozygote.
Comment: The variant c.2440del (p.(Ile814*)) in exon 24 of the OPA1 gene is not found in the gnomAD database and changes the protein sequence starting at position 814 and interrupts the reading frame prematurely. ACMG criteria used for classification: PVS1, PM2_supp, PP4.